The following is an entry in ClinVar:

ClinVar aggregate classification (germline): Uncertain significance. Review status: criteria provided, multiple submitters, no conflicts (2 of 4 stars). 5 submissions from 5 submitters: Uncertain significance (5). Last evaluated 2026-03-10.

Conditions:
COL11A2-related disorder. Also called: COL11A2-related disorders; COL11A2-related condition.

Allele frequency attached by ClinVar (database versions not stated): gnomAD exomes 0.00006; gnomAD 0.00008 and 0.00010; TOPMed 0.00008; ExAC 0.00010.
gnomAD v4.1: 78 of 1,613,742 alleles (0.0048%); highest among the groups gnomAD compares: Non-Finnish European, 0.0061%; no homozygotes.

Submissions (5):

PreventionGenetics, part of Exact Sciences
Classification: Uncertain significance for COL11A2-related condition. Last evaluated: 2026-03-10. Review status: criteria provided, single submitter. Criteria: ACMG Guidelines, 2015. Collection method: clinical testing. Allele origin: germline.
Comment: The COL11A2 c.2528C>T variant is predicted to result in the amino acid substitution p.Thr843Met. This variant was reported in an individual with syndromic joint hypermobility (Supplemental File, Leone et al. 2023. PubMed ID: 37079061). This variant is reported in 0.010% of alleles in individuals of European (Non-Finnish) descent in gnomAD. At this time, the clinical significance of this variant is uncertain due to the absence of conclusive functional and genetic evidence.

Dasa
Classification: Uncertain significance. Last evaluated: 2026-02-19. Review status: criteria provided, single submitter. Criteria: DASA Assertion Criteria. Collection method: clinical testing. Allele origin: germline.
Comment: NM_080680.3(COL11A2):c.2528C>T (p.Thr843Met) is a missense variant that results in the substitution of threonine with methionine. This variant is rare in population databases. Computational prediction algorithms are consistent with a deleterious effect. The currently available literature and clinical evidence are not sufficient to establish a definitive association between this variant and the reported condition. Therefore, this variant is classified as a variant of uncertain significance.

Labcorp Genetics (formerly Invitae), Labcorp
Classification: Uncertain significance. Last evaluated: 2026-01-01. Review status: criteria provided, single submitter. Criteria: Invitae Variant Classification Sherloc (09022015). Collection method: clinical testing. Allele origin: germline.
Comment: This sequence change replaces threonine, which is neutral and polar, with methionine, which is neutral and non-polar, at codon 843 of the COL11A2 protein (p.Thr843Met). This variant is present in population databases (rs770007946, gnomAD 0.01%). This missense change has been observed in individual(s) with COL11A2-related conditions (PMID: 37079061). ClinVar contains an entry for this variant (Variation ID: 667222). An algorithm developed to predict the effect of missense changes on protein structure and function (PolyPhen-2) suggests that this variant is likely to be disruptive. In summary, the available evidence is currently insufficient to determine the role of this variant in disease. Therefore, it has been classified as a Variant of Uncertain Significance.

GeneDx
Classification: Uncertain significance. Last evaluated: 2024-12-10. Review status: criteria provided, single submitter. Criteria: GeneDx Variant Classification Process June 2021. Collection method: clinical testing. Allele origin: germline. Affected: yes.
Comment: Identified in a patient with joint hypermobility in published literature (PMID: 37079061); In silico analysis supports that this missense variant has a deleterious effect on protein structure/function; This variant is associated with the following publications: (PMID: 37079061)

Laboratory for Molecular Medicine, Mass General Brigham Personalized Medicine
Classification: Uncertain significance. Last evaluated: 2019-01-30. Review status: criteria provided, single submitter. Criteria: LMM Criteria. Collection method: clinical testing. Allele origin: germline. Observed: 1 variant allele.
Comment: The p.Thr843Met variant in COL11A2 had not been previously reported in individuals with hearing loss, but has been identified in 0.01% (13/128856) of European chromosomes by gnomAD. Computational prediction tools and conservation analysis suggest that this variant may impact the protein, though this information is not predictive enough to determine pathogenicity. In summary, the clinical significance of this variant is uncertain. ACMG/AMP Criteria applied: PM2_Supporting, PP3.

Literature cited by the submitters: PubMed 37079061 (cited by Labcorp Genetics (formerly Invitae), Labcorp).

NM_080680.3(COL11A2):c.2528C>T (p.Thr843Met)

Gene: COL11A2 (collagen type XI alpha 2 chain; minus strand). Cytogenetic location: 6p21.32.
Variant type: single nucleotide variant.
Coding change: c.2528C>T on transcript NM_080680.3 (MANE Select); coding-DNA position 2528, C replaced by T.
Protein change: p.Thr843Met; replaces threonine 843 with methionine.
Molecular consequence: missense variant.
Genome position (GRCh38, 1-based): chr6:33,174,012, G>A on the plus strand (C>T on the coding strand, the complement: COL11A2 is on the minus strand). VCF-style: chr6-33174012-G-A. GRCh37 (hg19) VCF-style: chr6-33141789-G-A.
Other names: c.2207C>T, p.Thr736Met (NM_080679.3); c.2270C>T, p.Thr757Met (NM_080681.3); short protein forms T736M, T757M, T843M.
Identifiers: ClinVar variation 667222 (VCV000667222.19), dbSNP rs770007946, ClinGen allele CA3750863.